The following is an entry in ClinVar:

ClinVar aggregate classification (germline): Uncertain significance. Review status: criteria provided, multiple submitters, no conflicts (2 of 4 stars). 2 submissions from 2 submitters: Uncertain significance (2). Last evaluated 2025-12-23.

Conditions:
Hereditary cancer-predisposing syndrome. Also called: Hereditary neoplastic syndrome; Neoplastic Syndromes, Hereditary; Hereditary Cancer Syndrome; Tumor predisposition. Identifiers: Orphanet 140162, MedGen C0027672, MeSH D009386, MONDO:0015356.
Gastrointestinal stromal tumor. Also called: Gastrointestinal stromal tumor, somatic; Gastrointestinal stroma tumor. Identifiers: Orphanet 44890, MedGen C0238198, MeSH D046152, MONDO:0011719, OMIM 606764, HP:0100723.

gnomAD v4.1: 1 of 1,598,898 alleles (0.000063%); highest among the groups gnomAD compares: Non-Finnish European, 0.000086%; no homozygotes.

Submissions (2):

Labcorp Genetics (formerly Invitae), Labcorp
Classification: Uncertain significance for Gastrointestinal stromal tumor. Last evaluated: 2025-12-23. Review status: criteria provided, single submitter. Criteria: Invitae Variant Classification Sherloc (09022015). Collection method: clinical testing. Allele origin: germline.
Comment: This sequence change replaces asparagine, which is neutral and polar, with lysine, which is basic and polar, at codon 952 of the PDGFRA protein (p.Asn952Lys). This variant is not present in population databases (gnomAD no frequency). This variant has not been reported in the literature in individuals affected with PDGFRA-related conditions. ClinVar contains an entry for this variant (Variation ID: 958565). Invitae Evidence Modeling of protein sequence and biophysical properties (such as structural, functional, and spatial information, amino acid conservation, physicochemical variation, residue mobility, and thermodynamic stability) indicates that this missense variant is not expected to disrupt PDGFRA protein function with a negative predictive value of 80%. In summary, the available evidence is currently insufficient to determine the role of this variant in disease. Therefore, it has been classified as a Variant of Uncertain Significance.

Ambry Genetics
Classification: Uncertain significance for Hereditary cancer-predisposing syndrome. Last evaluated: 2024-09-01. Review status: criteria provided, single submitter. Criteria: Ambry Variant Classification Scheme 2023. Collection method: clinical testing. Allele origin: germline.
Comment: The p.N952K variant (also known as c.2856T>A), located in coding exon 20 of the PDGFRA gene, results from a T to A substitution at nucleotide position 2856. The asparagine at codon 952 is replaced by lysine, an amino acid with similar properties. This amino acid position is not well conserved in available vertebrate species. In addition, this alteration is predicted to be tolerated by in silico analysis. Since supporting evidence is limited at this time, the clinical significance of this alteration remains unclear.

NM_006206.6(PDGFRA):c.2856T>A (p.Asn952Lys)

Gene: PDGFRA (platelet derived growth factor receptor alpha; plus strand). Cytogenetic location: 4q12.
Variant type: single nucleotide variant.
Coding change: c.2856T>A on transcript NM_006206.6 (MANE Select); coding-DNA position 2856, T replaced by A.
Protein change: p.Asn952Lys; replaces asparagine 952 with lysine.
Molecular consequence: missense variant.
Genome position (GRCh38, 1-based): chr4:54,289,090, T>A. VCF-style: chr4-54289090-T-A. GRCh37 (hg19) VCF-style: chr4-55155257-T-A.
Other names: c.2931T>A, p.Asn977Lys (NM_001347828.2); c.2856T>A, p.Asn952Lys (NM_001347829.2); c.2895T>A, p.Asn965Lys (NM_001347830.2); short protein forms N952K, N965K, N977K.
Identifiers: ClinVar variation 958565 (VCV000958565.13), dbSNP rs1553906497, ClinGen allele CA356895837.